The following is an entry in ClinVar:

NM_000179.3(MSH6):c.800C>T (p.Pro267Leu)

Gene: MSH6 (mutS homolog 6; plus strand). Cytogenetic location: 2p16.3.
Variant type: single nucleotide variant.
Coding change: c.800C>T on transcript NM_000179.3 (MANE Select); coding-DNA position 800, C replaced by T.
Protein change: p.Pro267Leu; replaces proline 267 with leucine.
Molecular consequence: missense variant. On other transcripts: 5 prime UTR variant (2).
Genome position (GRCh38, 1-based): chr2:47,798,783, C>T. VCF-style: chr2-47798783-C-T. GRCh37 (hg19) VCF-style: chr2-48025922-C-T.
Other names: c.896C>T, p.Pro299Leu (NM_001406802.1, NM_001406795.1); c.800C>T, p.Pro267Leu (NM_001406803.1, NM_001406796.1, NM_001406798.1 and 4 more transcripts); c.722C>T, p.Pro241Leu (NM_001406804.1); c.503C>T, p.Pro168Leu (NM_001406805.1, NM_001406797.1, NM_001406801.1 and 10 more transcripts); c.410C>T, p.Pro137Leu (NM_001281492.2); c.-107C>T (NM_001281493.2, NM_001281494.2, NM_001406811.1 and 6 more transcripts); c.275C>T, p.Pro92Leu (NM_001406799.1, NM_001406806.1, NM_001406807.1); c.806C>T, p.Pro269Leu (NM_001406813.1); and 1 more; short protein forms P269L, P168L, P211L, P267L, P92L, P137L, P241L, P299L.
Identifiers: ClinVar variation 1761633 (VCV001761633.3), dbSNP rs1408734939, ClinGen allele CA346740331.
Genomic context (GRCh38, chr2:47,798,783, plus strand): 5'-AACGAAGGGTCATATCAGATTCTGAGAGTGACATTGGTGGCTCTGATGTGGAATTTAAGC[C>T]AGACACTAAGGAGGAAGGAAGCAGTGATGAAATAAGCAGTGGAGTGGGGGATAGTGAGAG-3'
Protein context (NP_000170.1, residues 257-277): DIGGSDVEFK[Pro267Leu]DTKEEGSSDE

ClinVar aggregate classification (germline): Uncertain significance (1 of 4 stars; one submission).

Conditions:
Hereditary cancer-predisposing syndrome. Also called: Neoplastic Syndromes, Hereditary; Tumor predisposition; Hereditary Cancer Syndrome; Hereditary neoplastic syndrome. Identifiers: Orphanet 140162, MedGen C0027672, MeSH D009386, MONDO:0015356.

Allele frequency attached by ClinVar (database versions not stated): gnomAD exomes below 0.00001.

Submission:

Ambry Genetics
Classification: Uncertain significance for Hereditary cancer-predisposing syndrome. Last evaluated: 2025-10-22. Review status: criteria provided, single submitter. Criteria: Ambry Variant Classification Scheme 2023. Collection method: clinical testing. Allele origin: germline.
Comment: The p.P267L variant (also known as c.800C>T), located in coding exon 4 of the MSH6 gene, results from a C to T substitution at nucleotide position 800. The proline at codon 267 is replaced by leucine, an amino acid with similar properties. This amino acid position is highly conserved in available vertebrate species. In addition, this alteration is predicted to be deleterious by in silico analysis. Based on the available evidence, the clinical significance of this variant remains unclear.